The following is an entry in ClinVar:

ClinVar aggregate classification (germline): Likely pathogenic (1 of 4 stars; one submission).

Submission:

GeneDx
Classification: Likely pathogenic. Last evaluated: 2017-07-12. Review status: criteria provided, single submitter. Criteria: GeneDx Variant Classification (06012015). Collection method: clinical testing. Allele origin: germline. Affected: yes.
Comment: Although the c.1148-1 G>A variant in the FBN1 gene has not been reported as a pathogenic or benign to our knowledge, it destroys the canonical splice acceptor site in intron 10 and is predicted to cause abnormal gene splicing. Other splice site variants, including a variant affecting the same spice acceptor site (c.1148-2 A>G), in the FBN1 gene have been reported in the Human Gene Mutation Database in association with FBN1-related disorders (Stenson et al., 2014). Furthermore, the c.1148-1 G>A variant is not observed in large population cohorts (Lek et al., 2016; 1000 Genomes Consortium et al., 2015; Exome Variant Server).

NM_000138.5(FBN1):c.1148-1G>A

Gene: FBN1 (fibrillin 1; minus strand). Cytogenetic location: 15q21.1.
Variant type: single nucleotide variant.
Coding change: c.1148-1G>A on transcript NM_000138.5 (MANE Select); the canonical splice acceptor site of the intron before coding-DNA position 1148, G replaced by A.
Molecular consequence: splice acceptor variant.
Genome position (GRCh38, 1-based): chr15:48,516,363, C>T on the plus strand (G>A on the coding strand, the complement: FBN1 is on the minus strand). VCF-style: chr15-48516363-C-T. GRCh37 (hg19) VCF-style: chr15-48808560-C-T.
Other names: c.1148-1G>A (NM_001406716.1).
Identifiers: ClinVar variation 450336 (VCV000450336.2), dbSNP rs1555400431, ClinGen allele CA392345749.